The following is an entry in ClinVar:

ClinVar aggregate classification (germline): Uncertain significance (1 of 4 stars; one submission).

Conditions:
Cardiovascular phenotype. Identifiers: MedGen CN230736.

gnomAD v4.1: 3 of 1,545,136 alleles (0.00019%); highest among the groups gnomAD compares: Admixed American, 0.0039%; no homozygotes.

Submission:

Ambry Genetics
Classification: Uncertain significance for Cardiovascular phenotype. Last evaluated: 2026-04-12. Review status: criteria provided, single submitter. Criteria: Ambry Variant Classification Scheme 2023. Collection method: clinical testing. Allele origin: germline.
Comment: The p.G98V variant (also known as c.293G>T), located in coding exon 1 of the ZNF469 gene, results from a G to T substitution at nucleotide position 293. The glycine at codon 98 is replaced by valine, an amino acid with dissimilar properties. This amino acid position is conserved. In addition, this alteration is predicted to be tolerated by in silico analysis. Based on the available evidence, the clinical significance of this variant remains unclear.

NM_001367624.2(ZNF469):c.293G>T (p.Gly98Val)

Gene: ZNF469 (zinc finger protein 469; plus strand). Cytogenetic location: 16q24.2.
Variant type: single nucleotide variant.
Coding change: c.293G>T on transcript NM_001367624.2 (MANE Select); coding-DNA position 293, G replaced by T.
Protein change: p.Gly98Val; replaces glycine 98 with valine.
Molecular consequence: missense variant.
Genome position (GRCh38, 1-based): chr16:88,427,763, G>T. VCF-style: chr16-88427763-G-T. GRCh37 (hg19) VCF-style: chr16-88494171-G-T.
Other names: NM_001127464.1:c.293G>T; short protein forms G98V.
Identifiers: ClinVar variation 4866956 (VCV004866956.1).